The following is an entry in ClinVar:

NM_001206927.2(DNAH8):c.10048dup (p.Ile3350fs)

Genes: DNAH8-AS1 (DNAH8 antisense RNA 1; minus strand), DNAH8 (dynein axonemal heavy chain 8; plus strand). Cytogenetic location: 6p21.2.
Variant type: Duplication.
Coding change: c.10048dup on transcript NM_001206927.2 (MANE Select); coding-DNA position 10048, one base duplicated (A; older notation c.10048dupA).
Protein change: p.Ile3350fs; shifts the reading frame from isoleucine 3350.
Molecular consequence: frameshift variant.
Genome position (GRCh38, 1-based): chr6:38,915,285, A duplicated; the last of 6 consecutive A bases (chr6:38,915,280-38,915,285); duplicating any one gives the same sequence. VCF-style (leftmost placement, unchanged base first): chr6-38915279-C-CA. GRCh37 (hg19) VCF-style: chr6-38883055-C-CA.
Other names: c.9397dup, p.Ile3133fs (NM_001371.4); short protein forms I3350fs, I3133fs.
Identifiers: ClinVar variation 3637871 (VCV003637871.2).
Genomic context (GRCh38, chr6:38,915,279, plus strand): 5'-GTAAGCGCTCAGGCTTCAGCCAAAATTAAAAATGAAGTACAGGAGGTAAAGGACAAAGCC[C>CA]AAAAAATTGTGGATGAAATTGATAGTGAAAAAGTGAAAGCTGAAAGCAAGCTTGAGGCAG-3'

ClinVar aggregate classification (germline): Pathogenic (1 of 4 stars; one submission).

Conditions:
Primary ciliary dyskinesia. Also called: Ciliary dyskinesia. Identifiers: Orphanet 244, MedGen C0008780, MONDO:0016575, HP:0012265.

Submission:

Labcorp Genetics (formerly Invitae), Labcorp
Classification: Pathogenic for Primary ciliary dyskinesia. Last evaluated: 2024-01-31. Review status: criteria provided, single submitter. Criteria: Invitae Variant Classification Sherloc (09022015). Collection method: clinical testing. Allele origin: germline.
Comment: This sequence change creates a premature translational stop signal (p.Ile3350Asnfs*4) in the DNAH8 gene. It is expected to result in an absent or disrupted protein product. Loss-of-function variants in DNAH8 are known to be pathogenic (PMID: 24307375, 32619401, 32681648). This variant is not present in population databases (gnomAD no frequency). This variant has not been reported in the literature in individuals affected with DNAH8-related conditions. Algorithms developed to predict the effect of sequence changes on RNA splicing suggest that this variant may disrupt the consensus splice site. For these reasons, this variant has been classified as Pathogenic.

Literature cited by the submitters: PubMed 24307375; PubMed 32619401; PubMed 32681648.